The following is an entry in ClinVar:

ClinVar aggregate classification (germline): Pathogenic (1 of 4 stars; one submission).

Submission:

GeneDx
Classification: Pathogenic. Last evaluated: 2013-02-22. Review status: criteria provided, single submitter. Criteria: GeneDx Variant Classification (06012015). Collection method: clinical testing. Allele origin: germline. Affected: yes.
Comment: Although the c.1410_1411delGG mutation in the MYBPC3 gene has not been reported to our knowledge, this mutation causes a shift in reading frame starting at codon Valine 471, changing it to a Glycine, and creating a premature stop codon at position 3 of the new reading frame, denoted p.Val471GlyfsX3. This mutation is expected to result in either an abnormal, truncated protein product or loss of protein from this allele through nonsense-mediated mRNA decay. Other frameshift mutations in the MYBPC3 gene have been reported in association with HCM. In addition, c.1410_1411delGG was not observed in approximately 6,000 individuals of European and African American ancestry in the NHLBI Exome Sequencing Project, indicating it is not a common benign variant in these populations.In summary, c.1410_1411delGG in the MYBPC3 gene is interpreted as a disease-causing mutation.

NM_000256.3(MYBPC3):c.1410_1411del (p.Val471fs)

Gene: MYBPC3 (myosin binding protein C3; minus strand). Cytogenetic location: 11p11.2.
Variant type: Deletion.
Coding change: c.1410_1411del on transcript NM_000256.3 (MANE Select); coding-DNA positions 1410 to 1411, 2 bases deleted (GG; older notation c.1410_1411delGG).
Protein change: p.Val471fs; shifts the reading frame from valine 471.
Molecular consequence: frameshift variant.
Genome position (GRCh38, 1-based): chr11:47,342,876-47,342,877, CC deleted on the plus strand (GG on the coding strand, the reverse complement: MYBPC3 is on the minus strand); deleting any 2 consecutive bases within chr11:47,342,876-47,342,878 gives the same sequence; the c. name uses the placement nearest the transcript's 3' end. VCF-style (leftmost placement, unchanged base first): chr11-47342875-ACC-A. GRCh37 (hg19) VCF-style: chr11-47364426-ACC-A.
Other names: c.1410_1411del, p.Val471fs (LRG_386t1); c.1410_1411delGG (NM_000256.3); short protein forms V471fs.
Identifiers: ClinVar variation 181069 (VCV000181069.2), dbSNP rs730880642, ClinGen allele CA010266.
Genomic context (GRCh38, chr11:47,342,875, plus strand): 5'-GCTTCTGGAACTCACCATTTGACTTGCGCCCCCTCCTCCGATACTTCACACTCAAACTCC[ACC>A]CGCTGCCCCACCATCACCAGCTGGTCCTCCAAGGGGCGCGTGATGAGCACAGGGGGCTCT-3'